The following is an entry in ClinVar:

ClinVar aggregate classification (germline): Uncertain significance (1 of 4 stars; one submission).

Conditions:
Baraitser-Winter syndrome 1 (BRWS1). Also called: PACHYGYRIA, MENTAL RETARDATION, EPILEPSY, AND CHARACTERISTIC FACIES; Cerebrofrontofacial syndrome; BARAITSER-WINTER SYNDROME 1, ATYPICAL; MENTAL RETARDATION WITH EPILEPSY AND CHARACTERISTIC FACIES. Identifiers: Orphanet 2649, Orphanet 2995, MedGen C1855722, MONDO:0009470, OMIM 243310.

Submission:

Labcorp Genetics (formerly Invitae), Labcorp
Classification: Uncertain significance for Baraitser-Winter syndrome 1. Last evaluated: 2023-08-24. Review status: criteria provided, single submitter. Criteria: Invitae Variant Classification Sherloc (09022015). Collection method: clinical testing. Allele origin: germline.
Comment: In summary, the available evidence is currently insufficient to determine the role of this variant in disease. Therefore, it has been classified as a Variant of Uncertain Significance. Experimental studies and prediction algorithms are not available or were not evaluated, and the functional significance of this variant is currently unknown. This variant has not been reported in the literature in individuals affected with ACTB-related conditions. This variant results in a copy number gain of the genomic region encompassing exon(s) 3-5 of the ACTB gene. While the exact position of this variant cannot be determined from the data, sub-genic copy number gains are generally in tandem (PMID: 25640679). This variant is predicted to be in-frame, and likely preserves the integrity of the reading frame.

Literature cited by the submitters: PubMed 25640679.

NC_000007.13:g.(?_5567615)_(5569051_?)dup

Gene: ACTB (actin beta; minus strand). Cytogenetic location: 7p22.1.
Variant type: Duplication.
Identifiers: ClinVar variation 2423706 (VCV002423706.4).